The following is an entry in ClinVar:

ClinVar aggregate classification (germline): Benign (1 of 4 stars; one submission).

Conditions:
Melanoma-pancreatic cancer syndrome. Identifiers: Orphanet 404560, MedGen C1838547, MONDO:0011713, OMIM 606719. Disease mechanism: loss of function.

gnomAD v4.1: 1 of 1,613,896 alleles (0.000062%); highest among the groups gnomAD compares: South Asian, 0.0011%; no homozygotes.

Submission:

Myriad Genetics, Inc.
Classification: Benign for Melanoma-pancreatic cancer syndrome. Last evaluated: 2025-08-20. Review status: criteria provided, single submitter. Criteria: Myriad Autosomal Dominant, Autosomal Recessive and X-Linked Classification Criteria (2023). Collection method: clinical testing. Allele origin: unknown.
Comment: This variant is considered benign. This variant occurs in the non-coding 3' untranslated region of the gene, and is not expected to impact protein function.

NM_000077.5(CDKN2A):c.*6C>T

Gene: CDKN2A (cyclin dependent kinase inhibitor 2A; minus strand). Cytogenetic location: 9p21.3.
Variant type: single nucleotide variant.
Coding change: c.*6C>T on transcript NM_000077.5; 6 bases downstream of the stop codon, C replaced by T.
Molecular consequence: 3 prime UTR variant (on NM_001195132.2).
Genome position (GRCh38, 1-based): chr9:21,968,223, G>A on the plus strand (C>T on the coding strand, the complement: CDKN2A is on the minus strand). VCF-style: chr9-21968223-G-A. GRCh37 (hg19) VCF-style: chr9-21968222-G-A.
Other names: c.*6C>T (NM_000077.6, NM_001363763.2); c.*170C>T (NM_001195132.2); c.*121C>T (NM_058195.4); c.*400C>T (NM_058197.5).
Identifiers: ClinVar variation 4294148 (VCV004294148.1).
Genomic context (GRCh38, chr9:21,968,223, plus strand): 5'-CCTGTAGGACCTTCGGTGACTGATGATCTAAGTTTCCCGAGGTTTCTCAGAGCCTCTCTG[G>A]TTCTTTCAATCGGGGATGTCTGCAGAGGGCAGAAAGAAAACAGGCGTTAGAAACCTGAGG-3'